The following is an entry in ClinVar:

NM_000166.6(GJB1):c.800del (p.Pro267fs)

Gene: GJB1 (gap junction protein beta 1; plus strand). Cytogenetic location: Xq13.1.
Variant type: Deletion.
Coding change: c.800del on transcript NM_000166.6 (MANE Select); coding-DNA position 800, one base deleted (C; older notation c.800delC).
Protein change: p.Pro267fs; shifts the reading frame from proline 267.
Molecular consequence: frameshift variant.
Genome position (GRCh38, 1-based): chrX:71,224,507, C deleted; the last of 3 consecutive C bases (chrX:71,224,505-71,224,507); deleting any one gives the same sequence. VCF-style (leftmost placement, unchanged base first): chrX-71224504-GC-G. GRCh37 (hg19) VCF-style: chrX-70444354-GC-G.
Other names: c.800delC (NM_000166.5); c.800del, p.Pro267fs (NM_001097642.3); c.800del (NM_000166.5); short protein forms P267fs.
Identifiers: ClinVar variation 637165 (VCV000637165.3), dbSNP rs1602350003, ClinGen allele CA915951226.

ClinVar aggregate classification (germline): Likely pathogenic. Review status: criteria provided, single submitter (1 of 4 stars). 3 submissions from 3 submitters: Likely pathogenic (1). 2 of the submissions do not count toward it. Last evaluated 2026-03-05.

Conditions:
Charcot-Marie-Tooth disease. Also called: Charcot-Marie-Tooth Hereditary Neuropathy; Charcot-Marie-Tooth Neuropathy. Identifiers: Orphanet 166, MedGen C0007959, MONDO:0015626.
Charcot-Marie-Tooth disease X-linked dominant 1. Also called: GJB1 Disorders: Charcot-Marie-Tooth Neuropathy (CMT1X) and Central Nervous System Phenotypes; CHARCOT-MARIE-TOOTH NEUROPATHY, X-LINKED, 1; CHARCOT-MARIE-TOOTH PERONEAL MUSCULAR ATROPHY, X-LINKED; HEREDITARY MOTOR AND SENSORY NEUROPATHY, X-LINKED; HMSN, X-LINKED; Charcot-Marie-Tooth Neuropathy X Type 1. Identifiers: Orphanet 101075, MedGen C0393808, MONDO:0010549, OMIM 302800.

Submissions (3):

GeneDx
Classification: Likely pathogenic. Last evaluated: 2026-03-05. Review status: criteria provided, single submitter. Criteria: GeneDx Variant Classification Process June 2021. Collection method: clinical testing. Allele origin: germline.
Comment: Reported previously in patients with Charcot-Marie-Tooth disease; however, no specific clinical information was provided (PMID: 25614874, 37284795); Frameshift variant predicted to result in abnormal protein length as the last 17 amino acids are replaced with 124 different amino acids, and other similar variants have been reported in HGMD; Not observed at significant frequency in large population cohorts (gnomAD); This variant is associated with the following publications: (PMID: 37284795, 25614874)

Inherited Neuropathy Consortium Ii, University Of Miami
Classification: Uncertain significance for Charcot-Marie-Tooth disease X-linked dominant 1. Last evaluated: 2016-01-06. Review status: no assertion criteria provided. Collection method: literature only. Allele origin: germline. Affected: yes. Not counted in ClinVar's aggregate classification.

Inherited Neuropathy Consortium
Classification: Pathogenic for Charcot-Marie-Tooth disease. Review status: no assertion criteria provided. Collection method: literature only. Allele origin: germline. Affected: yes. Not counted in ClinVar's aggregate classification.

Literature cited by the submitters: PubMed 25614874 (cited by Inherited Neuropathy Consortium Ii, University Of Miami and Inherited Neuropathy Consortium).